The following is an entry in ClinVar:

ClinVar aggregate classification (germline): Likely pathogenic (1 of 4 stars; one submission).

Conditions:
Camptomelic dysplasia (CMPD). Also called: Campomelic Dysplasia; CMPD1/SRA1. Identifiers: Orphanet 140, MedGen C1861922, MONDO:0007251, OMIM 114290.

Submission:

3billion
Classification: Likely pathogenic for Camptomelic dysplasia. Last evaluated: 2025-12-23. Review status: criteria provided, single submitter. Criteria: ACMG Guidelines, 2015. Collection method: clinical testing. Allele origin: germline. Affected: yes.
Comment: The variant is not observed in the gnomAD v4.1.0 dataset. Predicted Consequence/Location: The variant is located in a mutational hot spot and/or well-established functional domain in which established pathogenic variants have been reported. In silico tool predictions suggest damaging effect of the variant on gene or gene product [REVEL: 0.89 (>=0.6, sensitivity 0.68 and specificity 0.92); 3Cnet: 0.98 (> 0.75, sensitivity 0.96 and precision 0.92)]. The same nucleotide change resulting in the same amino acid change has been previously reported to be associated with SOX9-related disorder (PMID: 19033726). However, the evidence of pathogenicity is insufficient at this time. A different missense change at the same codon (p.His169Gln) has been reported as pathogenic/likely pathogenic with strong evidence (ClinVar ID: VCV000235914 /PMID: 24038782 /3billion dataset). Therefore, this variant is classified as Likely pathogenic according to the recommendation of ACMG/AMP guideline.

Literature cited by the submitters: PubMed 19033726; PubMed 24038782.

NM_000346.4(SOX9):c.506A>C (p.His169Pro)

Gene: SOX9 (SRY-box transcription factor 9; plus strand). Cytogenetic location: 17q24.3.
Variant type: single nucleotide variant.
Coding change: c.506A>C on transcript NM_000346.4 (MANE Select); coding-DNA position 506, A replaced by C.
Protein change: p.His169Pro; replaces histidine 169 with proline.
Molecular consequence: missense variant.
Genome position (GRCh38, 1-based): chr17:72,122,793, A>C. VCF-style: chr17-72122793-A-C. GRCh37 (hg19) VCF-style: chr17-70118934-A-C.
Other names: short protein forms H169P.
Identifiers: ClinVar variation 4854034 (VCV004854034.1).